The following is an entry in ClinVar:

ClinVar aggregate classification (germline): Uncertain significance (1 of 4 stars; one submission).

Conditions:
Cardiovascular phenotype. Identifiers: MedGen CN230736.

Submission:

Ambry Genetics
Classification: Uncertain significance for Cardiovascular phenotype. Last evaluated: 2025-07-12. Review status: criteria provided, single submitter. Criteria: Ambry Variant Classification Scheme 2023. Collection method: clinical testing. Allele origin: germline.
Comment: The p.H38R variant (also known as c.113A>G), located in coding exon 1 of the CBL gene, results from an A to G substitution at nucleotide position 113. The histidine at codon 38 is replaced by arginine, an amino acid with highly similar properties. This amino acid position is conserved. In addition, this alteration is predicted to be tolerated by in silico analysis. Based on the available evidence, the clinical significance of this variant remains unclear.

NM_005188.4(CBL):c.113A>G (p.His38Arg)

Genes: CBL (Cbl proto-oncogene; plus strand), LOC130006895 (ATAC-STARR-seq lymphoblastoid silent region 3975; plus strand). Cytogenetic location: 11q23.3.
Variant type: single nucleotide variant.
Coding change: c.113A>G on transcript NM_005188.4 (MANE Select); coding-DNA position 113, A replaced by G.
Protein change: p.His38Arg; replaces histidine 38 with arginine.
Molecular consequence: missense variant.
Genome position (GRCh38, 1-based): chr11:119,206,530, A>G. VCF-style: chr11-119206530-A-G. GRCh37 (hg19) VCF-style: chr11-119077240-A-G.
Other names: short protein forms H38R.
Identifiers: ClinVar variation 4219864 (VCV004219864.1).